The following is an entry in ClinVar:

NM_001807.6(CEL):c.1360G>C (p.Asp454His)

Gene: CEL (carboxyl ester lipase; plus strand). Cytogenetic location: 9q34.13.
Variant type: single nucleotide variant.
Coding change: c.1360G>C on transcript NM_001807.6 (MANE Select); coding-DNA position 1360, G replaced by C.
Protein change: p.Asp454His; replaces aspartic acid 454 with histidine.
Molecular consequence: missense variant.
Genome position (GRCh38, 1-based): chr9:133,070,534, G>C. VCF-style: chr9-133070534-G-C. GRCh37 (hg19) VCF-style: chr9-135945921-G-C.
Other names: short protein forms D454H.
Identifiers: ClinVar variation 3381467 (VCV003381467.1).

ClinVar aggregate classification (germline): Uncertain significance (1 of 4 stars; one submission).

Submission:

GeneDx
Classification: Uncertain significance. Last evaluated: 2024-05-20. Review status: criteria provided, single submitter. Criteria: GeneDx Variant Classification Process June 2021. Collection method: clinical testing. Allele origin: germline. Affected: yes.
Comment: Not observed at significant frequency in large population cohorts (gnomAD); In silico analysis supports that this missense variant has a deleterious effect on protein structure/function; Has not been previously published as pathogenic or benign to our knowledge